The following is an entry in ClinVar:

NM_018975.4(TERF2IP):c.1058G>C (p.Gly353Ala)

Gene: TERF2IP (TERF2 interacting protein; plus strand). Cytogenetic location: 16q23.1.
Variant type: single nucleotide variant.
Coding change: c.1058G>C on transcript NM_018975.4 (MANE Select); coding-DNA position 1058, G replaced by C.
Protein change: p.Gly353Ala; replaces glycine 353 with alanine.
Molecular consequence: missense variant. On other transcripts: non-coding transcript variant (1).
Genome position (GRCh38, 1-based): chr16:75,656,469, G>C. VCF-style: chr16-75656469-G-C. GRCh37 (hg19) VCF-style: chr16-75690367-G-C.
Other names: short protein forms G353A.
Identifiers: ClinVar variation 3227152 (VCV003227152.1), dbSNP rs2507089748, ClinGen allele CA396820173.

ClinVar aggregate classification (germline): Uncertain significance (1 of 4 stars; one submission).

Allele frequency attached by ClinVar (database versions not stated): gnomAD exomes below 0.00001.
gnomAD v4.1: 1 of 1,614,184 alleles (0.000062%); highest among the groups gnomAD compares: Non-Finnish European, 0.000085%; no homozygotes.

Submission:

Ambry Genetics
Classification: Uncertain significance. Last evaluated: 2024-02-24. Review status: criteria provided, single submitter. Criteria: Ambry Variant Classification Scheme 2023. Collection method: clinical testing. Allele origin: germline.
Comment: The p.G353A variant (also known as c.1058G>C), located in coding exon 3 of the TERF2IP gene, results from a G to C substitution at nucleotide position 1058. The glycine at codon 353 is replaced by alanine, an amino acid with similar properties. This amino acid position is conserved. In addition, this alteration is predicted to be tolerated by in silico analysis. Based on the available evidence, the clinical significance of this alteration remains unclear.